The following is an entry in ClinVar:

NM_001031689.3(PLAA):c.964A>G (p.Ile322Val)

Gene: PLAA (phospholipase A2 activating protein; minus strand). Cytogenetic location: 9p21.2.
Variant type: single nucleotide variant.
Coding change: c.964A>G on transcript NM_001031689.3 (MANE Select); coding-DNA position 964, A replaced by G.
Protein change: p.Ile322Val; replaces isoleucine 322 with valine.
Molecular consequence: missense variant.
Genome position (GRCh38, 1-based): chr9:26,923,253, T>C on the plus strand (A>G on the coding strand, the complement: PLAA is on the minus strand). VCF-style: chr9-26923253-T-C. GRCh37 (hg19) VCF-style: chr9-26923251-T-C.
Other names: c.964A>G, p.Ile322Val (NM_001321546.2); short protein forms I322V.
Identifiers: ClinVar variation 1504607 (VCV001504607.8), dbSNP rs2131386997, ClinGen allele CA373132894.
Genomic context (GRCh38, chr9:26,923,253, plus strand): 5'-GTTCCCTCCCAGGAAGCTGCTCAGCATTGATGTCCCCTAAATCGCCAGTTTTAGAATCAA[T>C]GGTTGCGTGAGACAGTTCTTTTTCAAAAGCCTTGATTTCTTCAGCACTTGCTGTTCGATC-3'
Protein context (NP_001026859.1, residues 312-332): AFEKELSHAT[Ile322Val]DSKTGDLGDI

ClinVar aggregate classification (germline): Uncertain significance (1 of 4 stars; one submission).

Allele frequency attached by ClinVar (database versions not stated): gnomAD exomes 0.00001.

Submission:

Labcorp Genetics (formerly Invitae), Labcorp
Classification: Uncertain significance. Last evaluated: 2024-03-11. Review status: criteria provided, single submitter. Criteria: Invitae Variant Classification Sherloc (09022015). Collection method: clinical testing. Allele origin: germline.
Comment: This sequence change replaces isoleucine, which is neutral and non-polar, with valine, which is neutral and non-polar, at codon 322 of the PLAA protein (p.Ile322Val). This variant is not present in population databases (gnomAD no frequency). This variant has not been reported in the literature in individuals affected with PLAA-related conditions. ClinVar contains an entry for this variant (Variation ID: 1504607). Advanced modeling of protein sequence and biophysical properties (such as structural, functional, and spatial information, amino acid conservation, physicochemical variation, residue mobility, and thermodynamic stability) performed at Invitae indicates that this missense variant is not expected to disrupt PLAA protein function with a negative predictive value of 80%. In summary, the available evidence is currently insufficient to determine the role of this variant in disease. Therefore, it has been classified as a Variant of Uncertain Significance.